The following is an entry in ClinVar:

ClinVar aggregate classification (germline): Benign/Likely benign. Review status: criteria provided, multiple submitters, no conflicts (2 of 4 stars). 6 submissions from 6 submitters: Benign (1); Likely benign (5). Last evaluated 2025-11-10.

Conditions:
Hereditary cancer-predisposing syndrome. Also called: Neoplastic Syndromes, Hereditary; Tumor predisposition; Hereditary neoplastic syndrome; Hereditary Cancer Syndrome. Identifiers: Orphanet 140162, MedGen C0027672, MeSH D009386, MONDO:0015356.
Familial adenomatous polyposis 1 (FAP1). Also called: POLYPOSIS, ADENOMATOUS INTESTINAL; FAMILIAL ADENOMATOUS POLYPOSIS 1, ATTENUATED. Identifiers: MedGen C2713442, MONDO:0021056, OMIM 175100. Disease mechanism: loss of function.

Allele frequency attached by ClinVar (database versions not stated): gnomAD exomes below 0.00001; ExAC 0.00001.
gnomAD v4.1: 5 of 1,613,642 alleles (0.00031%); highest among the groups gnomAD compares: Middle Eastern, 0.016%; no homozygotes.

Submissions (6):

Labcorp Genetics (formerly Invitae), Labcorp
Classification: Likely benign for Familial adenomatous polyposis 1. Last evaluated: 2025-11-10. Review status: criteria provided, single submitter. Criteria: Invitae Variant Classification Sherloc (09022015). Collection method: clinical testing. Allele origin: germline.

Center for Genomic Medicine, Rigshospitalet, Copenhagen University Hospital
Classification: Likely benign. Last evaluated: 2025-03-04. Review status: criteria provided, single submitter. Criteria: ACMG Guidelines, 2015. Collection method: clinical testing. Allele origin: germline.

Myriad Genetics, Inc.
Classification: Benign for Familial adenomatous polyposis 1. Last evaluated: 2024-04-10. Review status: criteria provided, single submitter. Criteria: Myriad Autosomal Dominant, Autosomal Recessive and X-Linked Classification Criteria (2023). Collection method: clinical testing. Allele origin: unknown.
Comment: This variant is considered benign. This variant is a silent/synonymous amino acid change and it is not expected to impact splicing.

Color Diagnostics, LLC DBA Color Health
Classification: Likely benign for Hereditary cancer-predisposing syndrome. Last evaluated: 2021-03-15. Review status: criteria provided, single submitter. Criteria: ACMG Guidelines, 2015. Collection method: clinical testing. Allele origin: germline.

GeneDx
Classification: Likely benign. Last evaluated: 2019-01-28. Review status: criteria provided, single submitter. Criteria: GeneDx Variant Classification Process June 2021. Collection method: clinical testing. Allele origin: germline. Affected: yes.

Ambry Genetics
Classification: Likely benign for Hereditary cancer-predisposing syndrome. Last evaluated: 2018-11-16. Review status: criteria provided, single submitter. Criteria: Ambry Variant Classification Scheme 2023. Collection method: clinical testing. Allele origin: germline.

NM_000038.6(APC):c.7575C>A (p.Arg2525=)

Gene: APC (APC regulator of Wnt signaling pathway; plus strand). Cytogenetic location: 5q22.2.
Variant type: single nucleotide variant.
Coding change: c.7575C>A on transcript NM_000038.6 (MANE Select); coding-DNA position 7575, C replaced by A.
Protein change: p.Arg2525=; no amino-acid change (arginine 2525 retained).
Molecular consequence: synonymous variant.
Genome position (GRCh38, 1-based): chr5:112,843,169, C>A. VCF-style: chr5-112843169-C-A. GRCh37 (hg19) VCF-style: chr5-112178866-C-A.
Other names: c.7575C>A, p.Arg2525= (NM_001127510.3, NM_001354895.2); c.7521C>A, p.Arg2507= (NM_001127511.3); c.7629C>A, p.Arg2543= (NM_001354896.2); c.7605C>A, p.Arg2535= (NM_001354897.2); c.7500C>A, p.Arg2500= (NM_001354898.2); c.7491C>A, p.Arg2497= (NM_001354899.2); c.7452C>A, p.Arg2484= (NM_001354900.2); c.7398C>A, p.Arg2466= (NM_001354901.2); and 5 more.
Identifiers: ClinVar variation 827130 (VCV000827130.20), dbSNP rs767974190, ClinGen allele CA048534.